The following is an entry in ClinVar:

NM_000214.3(JAG1):c.144G>C (p.Glu48Asp)

Gene: JAG1 (jagged canonical Notch ligand 1; minus strand). Cytogenetic location: 20p12.2.
Variant type: single nucleotide variant.
Coding change: c.144G>C on transcript NM_000214.3 (MANE Select); coding-DNA position 144, G replaced by C.
Protein change: p.Glu48Asp; replaces glutamic acid 48 with aspartic acid.
Molecular consequence: missense variant.
Genome position (GRCh38, 1-based): chr20:10,672,944, C>G on the plus strand (G>C on the coding strand, the complement: JAG1 is on the minus strand). VCF-style: chr20-10672944-C-G. GRCh37 (hg19) VCF-style: chr20-10653592-C-G.
Other names: short protein forms E48D.
Identifiers: ClinVar variation 3573249 (VCV003573249.2).

Conditions:
Arteriohepatic dysplasia. Also called: Alagille Syndrome. Identifiers: Orphanet 52, MedGen C0085280, MeSH D016738, MONDO:0007318.

Submission:

Gilbert/Spinner Lab, Children's Hospital of Philadelphia
No classification provided (evidence only). Condition: Alagille syndrome. Review status: no classification provided. Collection method: research. Allele origin: not applicable. Functional consequence: functionally_abnormal.
ClinVar note: "not provided" was previously submitted as the classification for the variant. However, the classification appeared to be based only on an observation of functional data so it was converted to no classification on 2025-07-30.